The following is an entry in ClinVar:

NM_001165963.4(SCN1A):c.1029-10C>A

Gene: SCN1A (sodium voltage-gated channel alpha subunit 1; minus strand). Cytogenetic location: 2q24.3.
Variant type: single nucleotide variant.
Coding change: c.1029-10C>A on transcript NM_001165963.4 (MANE Select); 10 bases into the intron before coding-DNA position 1029, C replaced by A.
Molecular consequence: intron variant.
Genome position (GRCh38, 1-based): chr2:166,047,778, G>T on the plus strand (C>A on the coding strand, the complement: SCN1A is on the minus strand). VCF-style: chr2-166047778-G-T. GRCh37 (hg19) VCF-style: chr2-166904288-G-T.
Other names: c.1029-10C>A (NM_001353949.2, NM_001353958.2, NM_001353950.2 and 10 more transcripts); c.-1397-10C>A (NM_001353961.2).
Identifiers: ClinVar variation 4532737 (VCV004532737.2).
Genomic context (GRCh38, chr2:166,047,778, plus strand): 5'-TAATTGGGATTTCTACCAGCTTTCACACACATATATCCCTCTGGACATTGGCTGCAAGTG[G>T]GGTAAAAGAAAGTATTACAAGTCGTTCTGCTGCCTTTTTACTCTGATACTATGCTATGAT-3'

ClinVar aggregate classification (germline): Uncertain significance. Review status: criteria provided, multiple submitters, no conflicts (2 of 4 stars). 2 submissions from 2 submitters: Uncertain significance (2). Last evaluated 2025-05-30.

Conditions:
Early-infantile DEE. Also called: Early infantile epileptic encephalopathy with suppression bursts; Early infantile epileptic encephalopathy; Ohtahara syndrome. Identifiers: Orphanet 1934, MedGen C0393706, MONDO:0800491.

Submissions (2):

GeneDx
Classification: Uncertain significance. Last evaluated: 2025-05-30. Review status: criteria provided, single submitter. Criteria: GeneDx Variant Classification Process June 2021. Collection method: clinical testing. Allele origin: germline. Affected: yes.
Comment: Not observed at significant frequency in large population cohorts (gnomAD); In silico analysis is inconclusive as to whether the variant alters gene splicing. In the absence of RNA/functional studies, the actual effect of this sequence change is unknown.; Has not been previously published as pathogenic or benign to our knowledge

Labcorp Genetics (formerly Invitae), Labcorp
Classification: Uncertain significance for Early-infantile DEE. Last evaluated: 2025-04-17. Review status: criteria provided, single submitter. Criteria: Invitae Variant Classification Sherloc (09022015). Collection method: clinical testing. Allele origin: germline.
Comment: This sequence change falls in intron 7 of the SCN1A gene. It does not directly change the encoded amino acid sequence of the SCN1A protein. This variant is not present in population databases (gnomAD no frequency). This variant has not been reported in the literature in individuals affected with SCN1A-related conditions. Algorithms developed to predict the effect of sequence changes on RNA splicing suggest that this variant may disrupt the consensus splice site. In summary, the available evidence is currently insufficient to determine the role of this variant in disease. Therefore, it has been classified as a Variant of Uncertain Significance.